The following is an entry in ClinVar:

NM_206933.4(USH2A):c.4371G>A (p.Ser1457=)

Gene: USH2A (usherin; minus strand). Cytogenetic location: 1q41.
Variant type: single nucleotide variant.
Coding change: c.4371G>A on transcript NM_206933.4 (MANE Select); coding-DNA position 4371, G replaced by A.
Protein change: p.Ser1457=; no amino-acid change (serine 1457 retained).
Molecular consequence: synonymous variant.
Genome position (GRCh38, 1-based): chr1:216,190,248, C>T on the plus strand (G>A on the coding strand, the complement: USH2A is on the minus strand). VCF-style: chr1-216190248-C-T. GRCh37 (hg19) VCF-style: chr1-216363590-C-T.
Other names: p.S1457S:TCG>TCA; p.Ser1457=; c.4371G>A, p.Ser1457= (NM_007123.6); c.4371G>A (NM_206933.3).
Identifiers: ClinVar variation 48515 (VCV000048515.31), dbSNP rs56013136, ClinGen allele CA143480.

ClinVar aggregate classification (germline): Benign. Review status: criteria provided, multiple submitters, no conflicts (2 of 4 stars). 10 submissions from 8 submitters: Benign (10). Last evaluated 2026-02-04.

Conditions:
Retinitis pigmentosa (RP). Identifiers: Orphanet 791, MedGen C0035334, MeSH D012174, MONDO:0019200, OMIM 268000. Inheritance: Autosomal dominant, autosomal recessive and X linked inheritance.
Retinitis pigmentosa 39 (RP39). Identifiers: Orphanet 791, MedGen C3151138, MONDO:0013436, OMIM 613809.
Usher syndrome type 2A. Also called: RETINAL DISEASE IN USHER SYNDROME TYPE IIA, MODIFIER OF; USHER SYNDROME, TYPE IIA. Identifiers: Orphanet 231178, Orphanet 886, MedGen C1848634, MONDO:0010169, OMIM 276901.

Allele frequency attached by ClinVar (database versions not stated): 1000 Genomes Project 0.00559; 1000 Genomes Project 30x 0.00593; TOPMed 0.01189; ExAC 0.01219; gnomAD exomes 0.01242 and 0.01972; gnomAD 0.01380 and 0.01440; ESP Exome Variant Server 0.01576.
gnomAD v4.1: 30,677 of 1,612,224 alleles (1.9%); highest among the groups gnomAD compares: Non-Finnish European, 2.3%; 392 homozygotes.

Submissions (10):

Labcorp Genetics (formerly Invitae), Labcorp
Classification: Benign. Last evaluated: 2026-02-04. Review status: criteria provided, single submitter. Criteria: Invitae Variant Classification Sherloc (09022015). Collection method: clinical testing. Allele origin: germline.

ARUP Laboratories, Molecular Genetics and Genomics, ARUP Laboratories
Classification: Benign. Last evaluated: 2023-11-29. Review status: criteria provided, single submitter. Criteria: ARUP Molecular Germline Variant Investigation Process 2024. Collection method: clinical testing. Allele origin: germline.

Genome-Nilou Lab
Classification: Benign for Retinitis pigmentosa 39. Last evaluated: 2023-11-04. Review status: criteria provided, single submitter. Criteria: ACMG Guidelines, 2015. Collection method: clinical testing. Allele origin: germline. Affected: no.

Genome-Nilou Lab
Classification: Benign for Usher syndrome type 2A. Last evaluated: 2023-11-04. Review status: criteria provided, single submitter. Criteria: ACMG Guidelines, 2015. Collection method: clinical testing. Allele origin: germline. Affected: no.

Mayo Clinic Laboratories, Mayo Clinic
Classification: Benign. Last evaluated: 2021-09-20. Review status: criteria provided, single submitter. Criteria: ACMG Guidelines, 2015. Collection method: clinical testing. Allele origin: germline. Observed: 6 variant alleles.
Comment: BA1, BP4, BP7

Illumina Laboratory Services, Illumina
Classification: Benign for Retinitis pigmentosa. Last evaluated: 2017-04-27. Review status: criteria provided, single submitter. Criteria: ICSL Variant Classification Criteria 13 December 2019. Collection method: clinical testing. Allele origin: germline.
Comment: This variant was observed as part of a predisposition screen in an ostensibly healthy population. A literature search was performed for the gene, cDNA change, and amino acid change (where applicable). No publications were found based on this search. Allele frequency data from public databases was too high to be consistent with this variant causing disease. Therefore, this variant is classified as benign.

Illumina Laboratory Services, Illumina
Classification: Benign for Usher syndrome type 2A. Last evaluated: 2017-04-27. Review status: criteria provided, single submitter. Criteria: ICSL Variant Classification Criteria 13 December 2019. Collection method: clinical testing. Allele origin: germline.
Comment: This variant was observed as part of a predisposition screen in an ostensibly healthy population. A literature search was performed for the gene, cDNA change, and amino acid change (where applicable). Publications were found based on this search. The evidence from the literature, in combination with allele frequency data from public databases where available, was sufficient to rule this variant out of causing disease. Therefore, this variant is classified as benign.

GeneDx
Classification: Benign. Last evaluated: 2011-07-13. Review status: criteria provided, single submitter. Criteria: GeneDx Variant Classification (06012015). Collection method: clinical testing. Allele origin: germline. Affected: yes.
Comment: This variant is considered likely benign or benign based on one or more of the following criteria: it is a conservative change, it occurs at a poorly conserved position in the protein, it is predicted to be benign by multiple in silico algorithms, and/or has population frequency not consistent with disease.

Laboratory for Molecular Medicine, Mass General Brigham Personalized Medicine
Classification: Benign. Last evaluated: 2009-06-24. Review status: criteria provided, single submitter. Criteria: LMM Criteria. Collection method: clinical testing. Allele origin: germline. Observed: 57 variant alleles.

Breakthrough Genomics
Classification: Benign. Review status: criteria provided, single submitter. Criteria: ACMG Guidelines, 2015. Collection method: not provided. Allele origin: germline. Inheritance: Autosomal recessive inheritance. Affected: yes.

Literature cited by the submitters: PubMed 10729113 (cited by Illumina Laboratory Services, Illumina and Laboratory for Molecular Medicine, Mass General Brigham Personalized Medicine); PubMed 22004887 (cited by Illumina Laboratory Services, Illumina); PubMed 16098008 (cited by Illumina Laboratory Services, Illumina); PubMed 18273898 (cited by Illumina Laboratory Services, Illumina and Laboratory for Molecular Medicine, Mass General Brigham Personalized Medicine); PubMed 15241801 (cited by Illumina Laboratory Services, Illumina and Laboratory for Molecular Medicine, Mass General Brigham Personalized Medicine); PubMed 10909849 (cited by Laboratory for Molecular Medicine, Mass General Brigham Personalized Medicine); PubMed 17405132 (cited by Laboratory for Molecular Medicine, Mass General Brigham Personalized Medicine).